The following is an entry in ClinVar:

NM_001079537.2(TRAPPC6B):c.256del (p.Thr86fs)

Gene: TRAPPC6B (trafficking protein particle complex subunit 6B; minus strand). Cytogenetic location: 14q21.1.
Variant type: Deletion.
Coding change: c.256del on transcript NM_001079537.2 (MANE Select); coding-DNA position 256, one base deleted (A; older notation c.256delA).
Protein change: p.Thr86fs; shifts the reading frame from threonine 86.
Molecular consequence: frameshift variant.
Genome position (GRCh38, 1-based): chr14:39,158,296, T deleted on the plus strand (A on the coding strand, the reverse complement: TRAPPC6B is on the minus strand). VCF-style (leftmost placement, unchanged base first): chr14-39158295-GT-G. GRCh37 (hg19) VCF-style: chr14-39627499-GT-G.
Other names: c.256del, p.Thr86fs (NM_177452.4); short protein forms T86fs.
Identifiers: ClinVar variation 4991312 (VCV004991312.1).

ClinVar aggregate classification (germline): Likely pathogenic (1 of 4 stars; one submission).

Conditions:
TRAPPC6B-related disorder. Also called: TRAPPC6B-related condition.

Submission:

PreventionGenetics, part of Exact Sciences
Classification: Likely pathogenic for TRAPPC6B-related condition. Last evaluated: 2026-09-04. Review status: criteria provided, single submitter. Criteria: ACMG Guidelines, 2015. Collection method: clinical testing. Allele origin: germline.
Comment: The TRAPPC6B c.256delA variant is predicted to result in a frameshift and premature protein termination (p.Thr86Glnfs*6). To our knowledge, this variant has not been reported in the literature. This variant is reported in 0.017% of alleles in individuals of East Asian descent in gnomAD. Frameshift variants in TRAPPC6B are expected to be pathogenic. This variant is interpreted as likely pathogenic.